The following is an entry in ClinVar:

ClinVar aggregate classification (germline): Uncertain significance (1 of 4 stars; one submission).

Conditions:
ASL-related disorder. Also called: ASL-related condition.

gnomAD v4.1: 3 of 1,613,760 alleles (0.00019%); highest among the groups gnomAD compares: Non-Finnish European, 0.00025%; no homozygotes.

Submission:

PreventionGenetics, part of Exact Sciences
Classification: Uncertain significance for ASL-related condition. Last evaluated: 2025-05-05. Review status: criteria provided, single submitter. Criteria: ACMG Guidelines, 2015. Collection method: clinical testing. Allele origin: germline.
Comment: The ASL c.322C>A variant is predicted to result in the amino acid substitution p.His108Asn. To our knowledge, this variant has not been reported in the literature. This variant is reported in 0.00089% of alleles in individuals of European (Non-Finnish) descent in gnomAD. At this time, the clinical significance of this variant is uncertain due to the absence of conclusive functional and genetic evidence.

NM_000048.4(ASL):c.322C>A (p.His108Asn)

Gene: ASL (argininosuccinate lyase; plus strand). Cytogenetic location: 7q11.21.
Variant type: single nucleotide variant.
Coding change: c.322C>A on transcript NM_000048.4 (MANE Select); coding-DNA position 322, C replaced by A.
Protein change: p.His108Asn; replaces histidine 108 with asparagine.
Molecular consequence: missense variant.
Genome position (GRCh38, 1-based): chr7:66,082,910, C>A. VCF-style: chr7-66082910-C-A. GRCh37 (hg19) VCF-style: chr7-65547897-C-A.
Other names: c.322C>A, p.His108Asn (NM_001024943.2, NM_001024944.2, NM_001024946.2); short protein forms H108N.
Identifiers: ClinVar variation 4977524 (VCV004977524.1).
Genomic context (GRCh38, chr7:66,082,910, plus strand): 5'-CCGTGACCCTGGGTCTCCCTTCACCTCCAGGAGCTCATTGGTGCAACGGCAGGGAAGCTG[C>A]ACACGGGACGGAGCCGGAATGACCAGGTGCTTTAGCCCCTCCACCCCCTGCTCCGTGTTG-3'
Protein context (NP_000039.2, residues 98-118): ELIGATAGKL[His108Asn]TGRSRNDQVV